The following is an entry in ClinVar:

ClinVar aggregate classification (germline): Conflicting classifications of pathogenicity. Review status: criteria provided, conflicting classifications (1 of 4 stars). 2 submissions from 2 submitters: Uncertain significance (1); Likely benign (1). Last evaluated 2024-12-13.

Submissions (2):

Labcorp Genetics (formerly Invitae), Labcorp
Classification: Uncertain significance. Last evaluated: 2024-12-13. Review status: criteria provided, single submitter. Criteria: Invitae Variant Classification Sherloc (09022015). Collection method: clinical testing. Allele origin: germline.
Comment: This sequence change replaces glycine, which is neutral and non-polar, with arginine, which is basic and polar, at codon 142 of the OAS1 protein (p.Gly142Arg). This variant is not present in population databases (gnomAD no frequency). This variant has not been reported in the literature in individuals affected with OAS1-related conditions. ClinVar contains an entry for this variant (Variation ID: 2180687). An algorithm developed to predict the effect of missense changes on protein structure and function outputs the following: PolyPhen-2: "Benign". The arginine amino acid residue is found in multiple mammalian species, which suggests that this missense change does not adversely affect protein function. In summary, the available evidence is currently insufficient to determine the role of this variant in disease. Therefore, it has been classified as a Variant of Uncertain Significance.

Ambry Genetics
Classification: Likely benign. Last evaluated: 2024-07-16. Review status: criteria provided, single submitter. Criteria: Ambry Variant Classification Scheme 2023. Collection method: clinical testing. Allele origin: germline.

NM_016816.4(OAS1):c.424G>C (p.Gly142Arg)

Gene: OAS1 (2'-5'-oligoadenylate synthetase 1; plus strand). Cytogenetic location: 12q24.13.
Variant type: single nucleotide variant.
Coding change: c.424G>C on transcript NM_016816.4 (MANE Select); coding-DNA position 424, G replaced by C.
Protein change: p.Gly142Arg; replaces glycine 142 with arginine.
Molecular consequence: missense variant.
Genome position (GRCh38, 1-based): chr12:112,908,779, G>C. VCF-style: chr12-112908779-G-C. GRCh37 (hg19) VCF-style: chr12-113346584-G-C.
Other names: c.424G>C (NM_016816.2); c.424G>C, p.Gly142Arg (NM_001032409.3, NM_001320151.2, NM_001406020.1 and 7 more transcripts); short protein forms G142R.
Identifiers: ClinVar variation 2180687 (VCV002180687.5), dbSNP rs779611860, ClinGen allele CA6799765.